The following is an entry in ClinVar:

NC_000017.10:g.(?_29490198)_(29497021_?)del

Gene: NF1 (neurofibromin 1; plus strand). Cytogenetic location: 17q11.2.
Variant type: Deletion.
Identifiers: ClinVar variation 1074106 (VCV001074106.1).

ClinVar aggregate classification (germline): Pathogenic (1 of 4 stars; one submission).

Conditions:
Neurofibromatosis, type 1 (NF1). Also called: VON RECKLINGHAUSEN DISEASE; Peripheral type neurofibromatosis; NEUROFIBROMATOSIS, TYPE I, SOMATIC; Neurofibromatosis, type I. Identifiers: Orphanet 636, MedGen C0027831, MONDO:0018975, OMIM 162200. Disease mechanism: loss of function.

Submission:

Labcorp Genetics (formerly Invitae), Labcorp
Classification: Pathogenic for Neurofibromatosis, type 1. Last evaluated: 2017-05-10. Review status: criteria provided, single submitter. Criteria: Invitae Variant Classification Sherloc (09022015). Collection method: clinical testing. Allele origin: germline.
Comment: A gross deletion of the genomic region encompassing the full coding sequence of the NF1 gene has been identified. The boundaries of this event are unknown as the deletion extends beyond the assayed region for this gene and therefore may encompass additional genes. Loss-of-function variants in NF1 are known to be pathogenic. Gross deletions of the NF1 gene have been observed in many individuals with neurofibromatosis type 1 (PMID: 8116612, 8931693, 9643287). For these reasons, this variant has been classified as Pathogenic.

Literature cited by the submitters: PubMed 8116612; PubMed 8931693; PubMed 9643287.